The following is an entry in ClinVar:

ClinVar aggregate classification (germline): Uncertain significance. Review status: criteria provided, multiple submitters, no conflicts (2 of 4 stars). 2 submissions from 2 submitters: Uncertain significance (2). Last evaluated 2025-11-12.

Conditions:
Inborn genetic diseases. Identifiers: MedGen C0950123, MeSH D030342.

Allele frequency attached by ClinVar (database versions not stated): gnomAD exomes below 0.00001 and 0.00001; ExAC 0.00001; TOPMed 0.00005; ESP Exome Variant Server 0.00008.
gnomAD v4.1: 13 of 1,613,848 alleles (0.00081%); highest among the groups gnomAD compares: African/African-American, 0.017%; no homozygotes.

Submissions (2):

Ambry Genetics
Classification: Uncertain significance for Inborn genetic diseases. Last evaluated: 2025-11-12. Review status: criteria provided, single submitter. Criteria: Ambry Variant Classification Scheme 2023. Collection method: clinical testing. Allele origin: germline.

Labcorp Genetics (formerly Invitae), Labcorp
Classification: Uncertain significance. Last evaluated: 2022-03-02. Review status: criteria provided, single submitter. Criteria: Invitae Variant Classification Sherloc (09022015). Collection method: clinical testing. Allele origin: germline.
Comment: This sequence change replaces threonine, which is neutral and polar, with serine, which is neutral and polar, at codon 544 of the GPC6 protein (p.Thr544Ser). This variant is present in population databases (rs370417193, gnomAD 0.008%). This variant has not been reported in the literature in individuals affected with GPC6-related conditions. Algorithms developed to predict the effect of missense changes on protein structure and function (SIFT, PolyPhen-2, Align-GVGD) all suggest that this variant is likely to be tolerated. Algorithms developed to predict the effect of sequence changes on RNA splicing suggest that this variant may create or strengthen a splice site. In summary, the available evidence is currently insufficient to determine the role of this variant in disease. Therefore, it has been classified as a Variant of Uncertain Significance.

NM_005708.5(GPC6):c.1631C>G (p.Thr544Ser)

Gene: GPC6 (glypican 6; plus strand). Cytogenetic location: 13q32.1.
Variant type: single nucleotide variant.
Coding change: c.1631C>G on transcript NM_005708.5 (MANE Select); coding-DNA position 1631, C replaced by G.
Protein change: p.Thr544Ser; replaces threonine 544 with serine.
Molecular consequence: missense variant.
Genome position (GRCh38, 1-based): chr13:94,403,180, C>G. VCF-style: chr13-94403180-C-G. GRCh37 (hg19) VCF-style: chr13-95055434-C-G.
Other names: c.1631C>G (NM_005708.3); short protein forms T544S.
Identifiers: ClinVar variation 1404958 (VCV001404958.4), dbSNP rs370417193, ClinGen allele CA7017233.
Genomic context (GRCh38, chr13:94,403,180, plus strand): 5'-GGAGAGAGGTGGACTCTTCTGCAGCCCAGCGTGGCCACTCCCTGCTCTCCTGGTCTCTCA[C>G]CTGCATTGTCCTGGCACTGCAGAGACTGTGCAGATAATCTTGGGTTTTTGGTCAGATGAA-3'
Protein context (NP_005699.1, residues 534-554): RGHSLLSWSL[Thr544Ser]CIVLALQRLC